The following is an entry in ClinVar:

NM_007327.4(GRIN1):c.1924A>C (p.Ile642Leu)

Gene: GRIN1 (glutamate ionotropic receptor NMDA type subunit 1; plus strand). Cytogenetic location: 9q34.3.
Variant type: single nucleotide variant.
Coding change: c.1924A>C on transcript NM_007327.4 (MANE Select); coding-DNA position 1924, A replaced by C.
Protein change: p.Ile642Leu; replaces isoleucine 642 with leucine.
Molecular consequence: missense variant.
Genome position (GRCh38, 1-based): chr9:137,162,650, A>C. VCF-style: chr9-137162650-A-C. GRCh37 (hg19) VCF-style: chr9-140057102-A-C.
Other names: c.1924A>C, p.Ile642Leu (NM_000832.7, NM_021569.4); c.1987A>C, p.Ile663Leu (NM_001185090.2, NM_001185091.2); short protein forms I642L, I663L.
Identifiers: ClinVar variation 421935 (VCV000421935.2), dbSNP rs1064795455, ClinGen allele CA16618810.
Genomic context (GRCh38, chr9:137,162,650, plus strand): 5'-GGCGCCCCCAGAAGCTTCTCAGCGCGCATCCTGGGCATGGTGTGGGCCGGCTTTGCCATG[A>C]TCATCGTGGCCTCCTACACCGCCAACCTGGCGGCCTTCCTGGTGCTGGACCGGCCGGAGG-3'
Protein context (NP_015566.1, residues 632-652): LGMVWAGFAM[Ile642Leu]IVASYTANLA

ClinVar aggregate classification (germline): Likely pathogenic (1 of 4 stars; one submission).

Submission:

GeneDx
Classification: Likely pathogenic. Last evaluated: 2016-08-08. Review status: criteria provided, single submitter. Criteria: GeneDx Variant Classification (06012015). Collection method: clinical testing. Allele origin: germline. Affected: yes.
Comment: The I642L variant in the GRIN1 gene has not been reported previously as a pathogenic variant, nor as a benign variant, to our knowledge. The I642L variant was not observed in approximately 6,500 individuals of European and African American ancestry in the NHLBI Exome Sequencing Project, indicating it is not a common benign variant in these populations. The I642L variant is a conservative amino acid substitution, which occurs at a position that is conserved across species. In silico analysis is inconsistent in its predictions as to whether or not the variant is damaging to the protein structure/function. Missense variants in nearby residues (M641I and Y647S) have been reported in the Human Gene Mutation Database in association with GRIN1-related disorders (Stenson et al., 2014), supporting the functional importance of this region of the protein. The I642L variant is a strong candidate for a pathogenic variant, however the possibility it may be a rare benign variant cannot be excluded.